The following is an entry in ClinVar:

ClinVar aggregate classification (germline): Likely benign (1 of 4 stars; one submission).

Conditions:
Familial cancer of breast. Also called: BREAST CANCER, FAMILIAL; Hereditary breast cancer; hereditary breast carcinoma. Identifiers: Orphanet 227535, MedGen C0346153, MONDO:0016419, OMIM 114480. Disease mechanism: loss of function.

Submission:

Myriad Genetics, Inc.
Classification: Likely benign for Familial cancer of breast. Last evaluated: 2024-05-10. Review status: criteria provided, single submitter. Criteria: Myriad Autosomal Dominant, Autosomal Recessive and X-Linked Classification Criteria (2023). Collection method: clinical testing. Allele origin: unknown.
Comment: This variant is considered likely benign. This variant is intronic and is not expected to impact mRNA splicing.

NM_000051.4(ATM):c.2922-19T>C

Gene: ATM (ATM serine/threonine kinase; plus strand). Cytogenetic location: 11q22.3.
Variant type: single nucleotide variant.
Coding change: c.2922-19T>C on transcript NM_000051.4 (MANE Select); 19 bases into the intron before coding-DNA position 2922, T replaced by C.
Molecular consequence: intron variant.
Genome position (GRCh38, 1-based): chr11:108,271,232, T>C. VCF-style: chr11-108271232-T-C. GRCh37 (hg19) VCF-style: chr11-108141959-T-C.
Other names: c.2922-19T>C (NM_001351834.2).
Identifiers: ClinVar variation 3253969 (VCV003253969.1), dbSNP rs2135550912.
Genomic context (GRCh38, chr11:108,271,232, plus strand): 5'-GTTCACTTTAAAGTTATAAAATAACTGATGTGTTCTGTTAAGCTTATAAAGTTGAACTTT[T>C]TTTTTTTTTTTACCACAGCAATGTGTGTTCTTTGTATCGTCGTGACCAAGATGTTTGTAA-3'